The following is an entry in ClinVar:

NM_018489.3(ASH1L):c.4523G>A (p.Arg1508Gln)

Gene: ASH1L (ASH1 like histone lysine methyltransferase; minus strand). Cytogenetic location: 1q22.
Variant type: single nucleotide variant.
Coding change: c.4523G>A on transcript NM_018489.3 (MANE Select); coding-DNA position 4523, G replaced by A.
Protein change: p.Arg1508Gln; replaces arginine 1508 with glutamine.
Molecular consequence: missense variant.
Genome position (GRCh38, 1-based): chr1:155,478,347, C>T on the plus strand (G>A on the coding strand, the complement: ASH1L is on the minus strand). VCF-style: chr1-155478347-C-T. GRCh37 (hg19) VCF-style: chr1-155448138-C-T.
Other names: c.4523G>A, p.Arg1508Gln (NM_001366177.2); short protein forms R1508Q.
Identifiers: ClinVar variation 2320017 (VCV002320017.2), dbSNP rs1464200331, ClinGen allele CA342701230.

ClinVar aggregate classification (germline): Uncertain significance (1 of 4 stars; one submission).

Conditions:
Inborn genetic diseases. Identifiers: MedGen C0950123, MeSH D030342.

Allele frequency attached by ClinVar (database versions not stated): gnomAD exomes 0.00001.
gnomAD v4.1: 9 of 1,613,990 alleles (0.00056%); highest among the groups gnomAD compares: East Asian, 0.0022%; no homozygotes.

Submission:

Ambry Genetics
Classification: Uncertain significance for Inborn genetic diseases. Last evaluated: 2022-10-26. Review status: criteria provided, single submitter. Criteria: Ambry Variant Classification Scheme 2023. Collection method: clinical testing. Allele origin: germline.
Comment: The c.4523G>A (p.R1508Q) alteration is located in exon 3 (coding exon 2) of the ASH1L gene. This alteration results from a G to A substitution at nucleotide position 4523, causing the arginine (R) at amino acid position 1508 to be replaced by a glutamine (Q). This allele was reported in one heterozygous individual in population-based cohorts in the Genome Aggregation Database (gnomAD). This amino acid position is highly conserved in available vertebrate species. This alteration is predicted to be tolerated by in silico analysis. Based on insufficient or conflicting evidence, the clinical significance of this alteration remains unclear.